The following is an entry in ClinVar:

NM_001805.4(CEBPE):c.437C>T (p.Ala146Val)

Gene: CEBPE (CCAAT enhancer binding protein epsilon; minus strand). Cytogenetic location: 14q11.2.
Variant type: single nucleotide variant.
Coding change: c.437C>T on transcript NM_001805.4 (MANE Select); coding-DNA position 437, C replaced by T.
Protein change: p.Ala146Val; replaces alanine 146 with valine.
Molecular consequence: missense variant.
Genome position (GRCh38, 1-based): chr14:23,118,655, G>A on the plus strand (C>T on the coding strand, the complement: CEBPE is on the minus strand). VCF-style: chr14-23118655-G-A. GRCh37 (hg19) VCF-style: chr14-23587864-G-A.
Other names: short protein forms A146V.
Identifiers: ClinVar variation 1043215 (VCV001043215.6), dbSNP rs562211538, ClinGen allele CA7111212.

ClinVar aggregate classification (germline): Uncertain significance (1 of 4 stars; one submission).

Conditions:
Specific granule deficiency. Identifiers: Orphanet 169142, MedGen C0398593, MONDO:0009506.

Allele frequency attached by ClinVar (database versions not stated): gnomAD exomes below 0.00001 and 0.00002; gnomAD 0.00001 and 0.00002; TOPMed 0.00001; ExAC 0.00002; 1000 Genomes Project 30x 0.00016; 1000 Genomes Project 0.00020.

Submission:

Labcorp Genetics (formerly Invitae), Labcorp
Classification: Uncertain significance for Specific granule deficiency. Last evaluated: 2021-09-01. Review status: criteria provided, single submitter. Criteria: Invitae Variant Classification Sherloc (09022015). Collection method: clinical testing. Allele origin: germline.
Comment: This sequence change replaces alanine with valine at codon 146 of the CEBPE protein (p.Ala146Val). The alanine residue is highly conserved and there is a small physicochemical difference between alanine and valine. This variant is present in population databases (rs562211538, ExAC 0.003%). This variant has not been reported in the literature in individuals affected with CEBPE-related conditions. Algorithms developed to predict the effect of missense changes on protein structure and function are either unavailable or do not agree on the potential impact of this missense change (SIFT: "Tolerated"; PolyPhen-2: "Probably Damaging"; Align-GVGD: "Class C0"). Algorithms developed to predict the effect of sequence changes on RNA splicing suggest that this variant may create or strengthen a splice site. In summary, the available evidence is currently insufficient to determine the role of this variant in disease. Therefore, it has been classified as a Variant of Uncertain Significance.